The following is an entry in ClinVar:

NM_000388.4(CASR):c.1268_1270del (p.Ala423del)

Gene: CASR (calcium sensing receptor; plus strand). Cytogenetic location: 3q21.1.
Variant type: Deletion.
Coding change: c.1268_1270del on transcript NM_000388.4 (MANE Select); coding-DNA positions 1268 to 1270, 3 bases deleted (CAG; older notation c.1268_1270delCAG).
Protein change: p.Ala423del; deletes alanine 423.
Molecular consequence: inframe deletion.
Genome position (GRCh38, 1-based): chr3:122,262,303-122,262,305, CAG deleted; deleting any 3 consecutive bases within chr3:122,262,301-122,262,305 gives the same sequence; the c. name uses the placement nearest the transcript's 3' end. VCF-style (leftmost placement, unchanged base first): chr3-122262300-TAGC-T. GRCh37 (hg19) VCF-style: chr3-121981147-TAGC-T.
Other names: c.1268_1270del (NM_000388.3); c.1268_1270del, p.Ala423del (NM_001178065.2); short protein forms A423del.
Identifiers: ClinVar variation 2927494 (VCV002927494.4), dbSNP rs754075314, ClinGen allele CA2569614.

ClinVar aggregate classification (germline): Uncertain significance. Review status: criteria provided, multiple submitters, no conflicts (2 of 4 stars). 2 submissions from 2 submitters: Uncertain significance (2). Last evaluated 2024-10-07.

Conditions:
Autosomal dominant hypocalcemia 1 (HYPOC1). Also called: HYPOCALCEMIA, FAMILIAL. Identifiers: MedGen C3715128, MONDO:0011013, OMIM 601198.
Familial hypocalciuric hypercalcemia (FHH). Also called: Familial benign hypercalcemia. Identifiers: Orphanet 405, MedGen C1809471, MONDO:0018458.

Submissions (2):

Athena Diagnostics
Classification: Uncertain significance. Last evaluated: 2024-10-07. Review status: criteria provided, single submitter. Criteria: Athena Diagnostics Criteria. Collection method: clinical testing. Allele origin: unknown.

Labcorp Genetics (formerly Invitae), Labcorp
Classification: Uncertain significance for Familial hypocalciuric hypercalcemia; Autosomal dominant hypocalcemia 1. Last evaluated: 2023-11-02. Review status: criteria provided, single submitter. Criteria: Invitae Variant Classification Sherloc (09022015). Collection method: clinical testing. Allele origin: germline.
Comment: This variant, c.1268_1270del, results in the deletion of 1 amino acid(s) of the CASR protein (p.Ala423del), but otherwise preserves the integrity of the reading frame. This variant is present in population databases (rs754075314, gnomAD 0.003%). This variant has not been reported in the literature in individuals affected with CASR-related conditions. Experimental studies and prediction algorithms are not available or were not evaluated, and the functional significance of this variant is currently unknown. In summary, the available evidence is currently insufficient to determine the role of this variant in disease. Therefore, it has been classified as a Variant of Uncertain Significance.